The following is an entry in ClinVar:

ClinVar aggregate classification (germline): Uncertain significance (1 of 4 stars; one submission).

Allele frequency attached by ClinVar (database versions not stated): ExAC 0.00001.
gnomAD v4.1: 23 of 1,599,224 alleles (0.0014%); highest among the groups gnomAD compares: Non-Finnish European, 0.0019%; no homozygotes.

Submission:

Labcorp Genetics (formerly Invitae), Labcorp
Classification: Uncertain significance. Last evaluated: 2022-06-15. Review status: criteria provided, single submitter. Criteria: Invitae Variant Classification Sherloc (09022015). Collection method: clinical testing. Allele origin: germline.
Comment: This variant is present in population databases (rs753389377, gnomAD 0.002%). In summary, the available evidence is currently insufficient to determine the role of this variant in disease. Therefore, it has been classified as a Variant of Uncertain Significance. Algorithms developed to predict the effect of missense changes on protein structure and function are either unavailable or do not agree on the potential impact of this missense change (SIFT: "Tolerated"; PolyPhen-2: "Possibly Damaging"; Align-GVGD: "Class C15"). This variant has not been reported in the literature in individuals affected with PCARE-related conditions. This sequence change replaces serine, which is neutral and polar, with arginine, which is basic and polar, at codon 1022 of the PCARE protein (p.Ser1022Arg).

NM_001029883.3(PCARE):c.3066C>A (p.Ser1022Arg)

Gene: PCARE (photoreceptor cilium actin regulator; minus strand). Cytogenetic location: 2p23.2.
Variant type: single nucleotide variant.
Coding change: c.3066C>A on transcript NM_001029883.3 (MANE Select); coding-DNA position 3066, C replaced by A.
Protein change: p.Ser1022Arg; replaces serine 1022 with arginine.
Molecular consequence: missense variant.
Genome position (GRCh38, 1-based): chr2:29,071,196, G>T on the plus strand (C>A on the coding strand, the complement: PCARE is on the minus strand). VCF-style: chr2-29071196-G-T. GRCh37 (hg19) VCF-style: chr2-29294062-G-T.
Other names: short protein forms S1022R.
Identifiers: ClinVar variation 1956646 (VCV001956646.4), dbSNP rs753389377, ClinGen allele CA1592035.